The following is an entry in ClinVar:

ClinVar aggregate classification (germline): Pathogenic/Likely pathogenic. Review status: criteria provided, multiple submitters, no conflicts (2 of 4 stars). 3 submissions from 3 submitters: Pathogenic (1); Likely pathogenic (1). 1 of the submissions does not count toward it. Last evaluated 2025-07-11.

Conditions:
Familial thoracic aortic aneurysm and aortic dissection (TAAD). Also called: Thoracic aortic aneurysms and dissections. Identifiers: Orphanet 91387, MedGen C4707243, MONDO:0019625.
Marfan syndrome (MFS). Also called: Marfan syndrome type 1; Marfan syndrome, classic; Marfan's syndrome; FBN1-Related Marfan Syndrome; MARFAN SYNDROME, TYPE I. Identifiers: Orphanet 284963, Orphanet 558, MedGen C0024796, MONDO:0007947, OMIM 154700.

Submissions (3):

Ambry Genetics
Classification: Likely pathogenic for Familial thoracic aortic aneurysm and aortic dissection. Last evaluated: 2025-07-11. Review status: criteria provided, single submitter. Criteria: Ambry Variant Classification Scheme 2023. Collection method: clinical testing. Allele origin: germline.
Comment: The p.C781Y variant (also known as c.2342G>A), located in coding exon 19 of the FBN1 gene, results from a G to A substitution at nucleotide position 2342. The cysteine at codon 781 is replaced by tyrosine, an amino acid with highly dissimilar properties. The majority of FBN1 mutations identified to date have involved the substitution or generation of cysteine residues within cbEGF domains (Vollbrandt T et al. J Biol Chem. 2004;279(31):32924-32931). This alteration has been reported in Marfan syndrome cohorts (Rommel K et al. Hum Mutat, 2005 Dec;26:529-39; Rybczynski M et al. Am J Med Genet A, 2008 Dec;146A:3157-66; Stark VC et al. Genes (Basel), 2020 Jul;11:[ePub ahead of print]; Ambry internal data). Internal structural analysis indicates this alteration eliminates a disulfide bond critical for the structural integrity of the cbEGF #8 domain (Ambry internal data). Another alteration at the same codon, p.C781R (c.2341T>C), has been detected in individuals with Marfan syndrome (Loeys B et al. Arch Intern Med, 2001 Nov;161:2447-54; Katzke S et al. Hum Mutat, 2002 Sep;20:197-208). This variant is considered to be rare based on population cohorts in the Genome Aggregation Database (gnomAD). This amino acid position is highly conserved in available vertebrate species. In addition, this alteration is predicted to be deleterious by in silico analysis. Based on the majority of available evidence to date, this variant is likely to be pathogenic.

Labcorp Genetics (formerly Invitae), Labcorp
Classification: Pathogenic for Marfan syndrome; Familial thoracic aortic aneurysm and aortic dissection. Last evaluated: 2024-06-24. Review status: criteria provided, single submitter. Criteria: Invitae Variant Classification Sherloc (09022015). Collection method: clinical testing. Allele origin: germline.
Comment: This sequence change replaces cysteine, which is neutral and slightly polar, with tyrosine, which is neutral and polar, at codon 781 of the FBN1 protein (p.Cys781Tyr). This variant is not present in population databases (gnomAD no frequency). This missense change has been observed in individual(s) with Marfan syndrome (PMID: 11700157, 25966184). ClinVar contains an entry for this variant (Variation ID: 527217). Advanced modeling of protein sequence and biophysical properties (such as structural, functional, and spatial information, amino acid conservation, physicochemical variation, residue mobility, and thermodynamic stability) performed at Invitae indicates that this missense variant is expected to disrupt FBN1 protein function with a positive predictive value of 95%. This variant affects a cysteine residue in the EGF-like, TGFBP or hybrid motif domains of FBN1. Cysteine residues are believed to be involved in intramolecular disulfide bridges and have been shown to be important for FBN1 protein structure (PMID: 16905551, 19349279). In addition, missense substitutions affecting cysteine residues within these domains are significantly overrepresented among patients with Marfan syndrome (PMID: 16571647, 17701892). For these reasons, this variant has been classified as Pathogenic.

Center for Medical Genetics Ghent, University of Ghent
Classification: Pathogenic for Marfan syndrome. Last evaluated: 2017-11-07. Review status: no assertion criteria provided. Collection method: clinical testing. Allele origin: germline. Affected: yes. Not counted in ClinVar's aggregate classification.

Literature cited by the submitters: PubMed 16220557 (cited by Ambry Genetics); PubMed 19012347 (cited by Ambry Genetics); PubMed 32679894 (cited by Ambry Genetics); PubMed 11700157 (cited by Labcorp Genetics (formerly Invitae), Labcorp); PubMed 25966184 (cited by Labcorp Genetics (formerly Invitae), Labcorp); PubMed 16905551 (cited by Labcorp Genetics (formerly Invitae), Labcorp); PubMed 19349279 (cited by Labcorp Genetics (formerly Invitae), Labcorp); PubMed 16571647 (cited by Labcorp Genetics (formerly Invitae), Labcorp); PubMed 17701892 (cited by Labcorp Genetics (formerly Invitae), Labcorp).

NM_000138.5(FBN1):c.2342G>A (p.Cys781Tyr)

Gene: FBN1 (fibrillin 1; minus strand). Cytogenetic location: 15q21.1.
Variant type: single nucleotide variant.
Coding change: c.2342G>A on transcript NM_000138.5 (MANE Select); coding-DNA position 2342, G replaced by A.
Protein change: p.Cys781Tyr; replaces cysteine 781 with tyrosine.
Molecular consequence: missense variant.
Genome position (GRCh38, 1-based): chr15:48,496,177, C>T on the plus strand (G>A on the coding strand, the complement: FBN1 is on the minus strand). VCF-style: chr15-48496177-C-T. GRCh37 (hg19) VCF-style: chr15-48788374-C-T.
Other names: short protein forms C781Y.
Identifiers: ClinVar variation 527217 (VCV000527217.9), dbSNP rs1555399271, ClinGen allele CA392335455.